The following is an entry in ClinVar:

NM_001276270.2(MBD4):c.1499T>G (p.Leu500Arg)

Gene: MBD4 (methyl-CpG binding domain 4, DNA glycosylase; minus strand). Cytogenetic location: 3q21.3.
Variant type: single nucleotide variant.
Coding change: c.1499T>G on transcript NM_001276270.2 (MANE Select); coding-DNA position 1499, T replaced by G.
Protein change: p.Leu500Arg; replaces leucine 500 with arginine.
Molecular consequence: missense variant.
Genome position (GRCh38, 1-based): chr3:129,433,142, A>C on the plus strand (T>G on the coding strand, the complement: MBD4 is on the minus strand). VCF-style: chr3-129433142-A-C. GRCh37 (hg19) VCF-style: chr3-129151985-A-C.
Other names: c.1517T>G, p.Leu506Arg (NM_001276271.2, NM_001276272.2, NM_003925.3); c.563T>G, p.Leu188Arg (NM_001276273.2); short protein forms L500R, L506R, L188R.
Identifiers: ClinVar variation 3680705 (VCV003680705.3).

ClinVar aggregate classification (germline): Uncertain significance. Review status: criteria provided, multiple submitters, no conflicts (2 of 4 stars). 2 submissions from 2 submitters: Uncertain significance (2). Last evaluated 2025-12-15.

Conditions:
Inborn genetic diseases. Identifiers: MedGen C0950123, MeSH D030342.

Submissions (2):

Ambry Genetics
Classification: Uncertain significance for Inborn genetic diseases. Last evaluated: 2025-12-15. Review status: criteria provided, single submitter. Criteria: Ambry Variant Classification Scheme 2023. Collection method: clinical testing. Allele origin: germline.
Comment: The p.L500R variant (also known as c.1499T>G), located in coding exon 6 of the MBD4 gene, results from a T to G substitution at nucleotide position 1499. The leucine at codon 500 is replaced by arginine, an amino acid with dissimilar properties. This amino acid position is conserved. In addition, this alteration is predicted to be deleterious by in silico analysis. Based on the available evidence, the clinical significance of this variant remains unclear.

Labcorp Genetics (formerly Invitae), Labcorp
Classification: Uncertain significance. Last evaluated: 2024-04-03. Review status: criteria provided, single submitter. Criteria: Invitae Variant Classification Sherloc (09022015). Collection method: clinical testing. Allele origin: germline.
Comment: This sequence change replaces leucine, which is neutral and non-polar, with arginine, which is basic and polar, at codon 506 of the MBD4 protein (p.Leu506Arg). This variant is not present in population databases (gnomAD no frequency). This variant has not been reported in the literature in individuals affected with MBD4-related conditions. An algorithm developed to predict the effect of missense changes on protein structure and function (PolyPhen-2) suggests that this variant is likely to be disruptive. In summary, the available evidence is currently insufficient to determine the role of this variant in disease. Therefore, it has been classified as a Variant of Uncertain Significance.